The following is an entry in ClinVar:

ClinVar aggregate classification (germline): Uncertain significance (1 of 4 stars; one submission).

Conditions:
Glycogen storage disease IXb (GSD9B). Also called: PHOSPHORYLASE KINASE DEFICIENCY OF LIVER AND MUSCLE, AUTOSOMAL RECESSIVE; GLYCOGENOSIS OF LIVER AND MUSCLE, AUTOSOMAL RECESSIVE; GSD IXb. Identifiers: Orphanet 79240, MedGen C0543514, MONDO:0009868, OMIM 261750.

Allele frequency attached by ClinVar (database versions not stated): TOPMed 0.00001; ExAC 0.00002; gnomAD 0.00002; gnomAD exomes 0.00003; ESP Exome Variant Server 0.00008.
gnomAD v4.1: 44 of 1,560,348 alleles (0.0028%); highest among the groups gnomAD compares: Non-Finnish European, 0.0034%; no homozygotes.

Submission:

Labcorp Genetics (formerly Invitae), Labcorp
Classification: Uncertain significance for Glycogen storage disease IXb. Last evaluated: 2022-03-14. Review status: criteria provided, single submitter. Criteria: Invitae Variant Classification Sherloc (09022015). Collection method: clinical testing. Allele origin: germline.
Comment: This sequence change replaces glutamine, which is neutral and polar, with arginine, which is basic and polar, at codon 507 of the PHKB protein (p.Gln507Arg). This variant is present in population databases (rs138204583, gnomAD 0.007%). This variant has not been reported in the literature in individuals affected with PHKB-related conditions. Algorithms developed to predict the effect of missense changes on protein structure and function (SIFT, PolyPhen-2, Align-GVGD) all suggest that this variant is likely to be disruptive. In summary, the available evidence is currently insufficient to determine the role of this variant in disease. Therefore, it has been classified as a Variant of Uncertain Significance.

NM_000293.3(PHKB):c.1520A>G (p.Gln507Arg)

Gene: PHKB (phosphorylase kinase regulatory subunit beta; plus strand). Cytogenetic location: 16q12.1.
Variant type: single nucleotide variant.
Coding change: c.1520A>G on transcript NM_000293.3 (MANE Select); coding-DNA position 1520, A replaced by G.
Protein change: p.Gln507Arg; replaces glutamine 507 with arginine.
Molecular consequence: missense variant.
Genome position (GRCh38, 1-based): chr16:47,641,604, A>G. VCF-style: chr16-47641604-A-G. GRCh37 (hg19) VCF-style: chr16-47675515-A-G.
Other names: c.1499A>G, p.Gln500Arg (NM_001031835.3); c.1520A>G, p.Gln507Arg (NM_001363837.1); short protein forms Q507R, Q500R.
Identifiers: ClinVar variation 2161683 (VCV002161683.1), dbSNP rs138204583, ClinGen allele CA8040872.